The following is an entry in ClinVar:

NM_005228.5(EGFR):c.3303dup (p.Ala1102fs)

Gene: EGFR (epidermal growth factor receptor; plus strand). Cytogenetic location: 7p11.2.
Variant type: Duplication.
Coding change: c.3303dup on transcript NM_005228.5 (MANE Select); coding-DNA position 3303, one base duplicated (C; older notation c.3303dupC).
Protein change: p.Ala1102fs; shifts the reading frame from alanine 1102.
Molecular consequence: frameshift variant.
Genome position (GRCh38, 1-based): chr7:55,205,287, C duplicated; the last of 3 consecutive C bases (chr7:55,205,285-55,205,287); duplicating any one gives the same sequence. VCF-style (leftmost placement, unchanged base first): chr7-55205284-G-GC. GRCh37 (hg19) VCF-style: chr7-55272977-G-GC.
Other names: c.3303dupC (NM_005228.3); c.3168dup, p.Ala1057fs (NM_001346899.2); c.3144dup, p.Ala1049fs (NM_001346900.2); c.2502dup, p.Ala835fs (NM_001346941.2); short protein forms A1102fs, A1049fs, A1057fs, A835fs.
Identifiers: ClinVar variation 4016785 (VCV004016785.1).

ClinVar aggregate classification (germline): Uncertain significance (1 of 4 stars; one submission).

Conditions:
Hereditary cancer-predisposing syndrome. Also called: Tumor predisposition; Hereditary neoplastic syndrome; Neoplastic Syndromes, Hereditary; Hereditary Cancer Syndrome. Identifiers: Orphanet 140162, MedGen C0027672, MeSH D009386, MONDO:0015356.

Submission:

Ambry Genetics
Classification: Uncertain significance for Hereditary cancer-predisposing syndrome. Last evaluated: 2025-06-09. Review status: criteria provided, single submitter. Criteria: Ambry Variant Classification Scheme 2023. Collection method: clinical testing. Allele origin: germline.
Comment: The c.3303dupC variant, located in coding exon 28 of the EGFR gene, results from a duplication of C at nucleotide position 3303, causing a translational frameshift with a predicted alternate stop codon (p.A1102Rfs*65). This alteration occurs at the 3' terminus of the EGFR gene, is not expected to trigger nonsense-mediated mRNA decay, and impacts the last 9% of the protein. The exact functional effect of this alteration is unknown. Based on the available evidence, the clinical significance of this variant remains unclear.